The following is an entry in ClinVar:

ClinVar aggregate classification (germline): Uncertain significance (1 of 4 stars; one submission).

gnomAD v4.1: 14 of 1,614,140 alleles (0.00087%); highest among the groups gnomAD compares: Non-Finnish European, 0.0012%; no homozygotes.

Submission:

Women's Health and Genetics/Laboratory Corporation of America, LabCorp
Classification: Uncertain significance. Last evaluated: 2025-11-26. Review status: criteria provided, single submitter. Criteria: LabCorp Variant Classification Summary - May 2015. Collection method: clinical testing. Allele origin: germline.
Comment: Variant summary: DIP2B c.2678T>G (p.Val893Gly) results in a non-conservative amino acid change located in the Dip2-like domain (IPR037337) of the encoded protein sequence. Algorithms developed to predict the effect of missense changes on protein structure and function are either unavailable or do not agree on the potential impact of this missense change. The variant was absent in 251458 control chromosomes. The available data on variant occurrences in the general population are insufficient to allow any conclusion about variant significance. To our knowledge, no occurrence of c.2678T>G in individuals affected with DIP2B-related conditions and no experimental evidence demonstrating its impact on protein function have been reported. ClinVar contains an entry for this variant (Variation ID: 3769335). Based on the evidence outlined above, the variant was classified as uncertain significance.

NM_173602.3(DIP2B):c.2678T>G (p.Val893Gly)

Gene: DIP2B (disco interacting protein 2 homolog B; plus strand). Cytogenetic location: 12q13.12.
Variant type: single nucleotide variant.
Coding change: c.2678T>G on transcript NM_173602.3 (MANE Select); coding-DNA position 2678, T replaced by G.
Protein change: p.Val893Gly; replaces valine 893 with glycine.
Molecular consequence: missense variant.
Genome position (GRCh38, 1-based): chr12:50,714,423, T>G. VCF-style: chr12-50714423-T-G. GRCh37 (hg19) VCF-style: chr12-51108206-T-G.
Other names: short protein forms V893G.
Identifiers: ClinVar variation 3769335 (VCV003769335.3).